The following is an entry in ClinVar:

ClinVar aggregate classification (germline): Uncertain significance (1 of 4 stars; one submission).

Allele frequency attached by ClinVar (database versions not stated): gnomAD exomes below 0.00001.
gnomAD v4.1: 1 of 1,612,564 alleles (0.000062%); highest among the groups gnomAD compares: South Asian, 0.0011%; no homozygotes.

Submission:

Labcorp Genetics (formerly Invitae), Labcorp
Classification: Uncertain significance. Last evaluated: 2022-02-04. Review status: criteria provided, single submitter. Criteria: Invitae Variant Classification Sherloc (09022015). Collection method: clinical testing. Allele origin: germline.
Comment: This variant is not present in population databases (gnomAD no frequency). This sequence change replaces aspartic acid, which is acidic and polar, with glutamic acid, which is acidic and polar, at codon 52 of the LIPI protein (p.Asp52Glu). This variant has not been reported in the literature in individuals affected with LIPI-related conditions. In summary, the available evidence is currently insufficient to determine the role of this variant in disease. Therefore, it has been classified as a Variant of Uncertain Significance. Algorithms developed to predict the effect of missense changes on protein structure and function are either unavailable or do not agree on the potential impact of this missense change (SIFT: "Tolerated"; PolyPhen-2: "Possibly Damaging"; Align-GVGD: "Class C0").

NM_001302998.2(LIPI):c.93T>G (p.Asp31Glu)

Gene: LIPI (lipase I; minus strand). Cytogenetic location: 21q11.2.
Variant type: single nucleotide variant.
Coding change: c.93T>G on transcript NM_001302998.2 (MANE Select); coding-DNA position 93, T replaced by G.
Protein change: p.Asp31Glu; replaces aspartic acid 31 with glutamic acid.
Molecular consequence: missense variant. On other transcripts: 5 prime UTR variant (1), intron variant (1).
Genome position (GRCh38, 1-based): chr21:14,189,373, A>C on the plus strand (T>G on the coding strand, the complement: LIPI is on the minus strand). VCF-style: chr21-14189373-A-C. GRCh37 (hg19) VCF-style: chr21-15561694-A-C.
Other names: c.93T>G, p.Asp31Glu (NM_001302999.2, NM_001303000.2, NM_001303001.2 and 1 more transcripts); c.-43T>G (NM_198996.4); c.47-7514T>G (NM_001379566.1); short protein forms D31E.
Identifiers: ClinVar variation 2092905 (VCV002092905.4), dbSNP rs2516496078, ClinGen allele CA409824184.